The following is an entry in ClinVar:

NM_015158.5(KANK1):c.297CAA[1] (p.Asn100del)

Gene: KANK1 (KN motif and ankyrin repeat domains 1; plus strand). Cytogenetic location: 9p24.3.
Variant type: Microsatellite.
Coding change: c.297CAA[1] on transcript NM_015158.5 (MANE Select); one copy of the 3-base unit CAA starting at c.297; the reference has two copies in a row; one copy, 3 bases deleted.
Protein change: p.Asn100del; deletes asparagine 100.
Molecular consequence: inframe deletion. On other transcripts: 5 prime UTR variant (12), non-coding transcript variant (1).
Genome position (GRCh38, 1-based): chr9:711,066-711,068, CAA deleted; deleting any 3 consecutive bases within chr9:711,062-711,068 gives the same sequence; the position shown is the placement nearest the transcript's 3' end. VCF-style (leftmost placement, unchanged base first): chr9-711061-GACA-G. GRCh37 (hg19) VCF-style: chr9-711061-GACA-G.
Other names: c.297CAA[1], p.Asn100del (NM_001256876.3, NM_001256877.3, NM_001354331.2 and 2 more transcripts); c.-178CAA[1] (NM_001354333.2, NM_001354335.2, NM_001354336.2 and 9 more transcripts); short protein forms N100del.
Identifiers: ClinVar variation 2729301 (VCV002729301.3), dbSNP rs751846768, ClinGen allele CA4959907.

ClinVar aggregate classification (germline): Uncertain significance (1 of 4 stars; one submission).

Submission:

Labcorp Genetics (formerly Invitae), Labcorp
Classification: Uncertain significance. Last evaluated: 2023-04-06. Review status: criteria provided, single submitter. Criteria: Invitae Variant Classification Sherloc (09022015). Collection method: clinical testing. Allele origin: germline.
Comment: This variant, c.300_302del, results in the deletion of 1 amino acid(s) of the KANK1 protein (p.Asn100del), but otherwise preserves the integrity of the reading frame. This variant is present in population databases (rs751846768, gnomAD 0.03%). This variant has not been reported in the literature in individuals affected with KANK1-related conditions. Experimental studies and prediction algorithms are not available or were not evaluated, and the functional significance of this variant is currently unknown. In summary, the available evidence is currently insufficient to determine the role of this variant in disease. Therefore, it has been classified as a Variant of Uncertain Significance.